The following is an entry in ClinVar:

NM_004656.4(BAP1):c.337A>T (p.Ser113Cys)

Gene: BAP1 (BRCA1 associated deubiquitinase 1; minus strand). Cytogenetic location: 3p21.1.
Variant type: single nucleotide variant.
Coding change: c.337A>T on transcript NM_004656.4 (MANE Select); coding-DNA position 337, A replaced by T.
Protein change: p.Ser113Cys; replaces serine 113 with cysteine.
Molecular consequence: missense variant.
Genome position (GRCh38, 1-based): chr3:52,407,996, T>A on the plus strand (A>T on the coding strand, the complement: BAP1 is on the minus strand). VCF-style: chr3-52407996-T-A. GRCh37 (hg19) VCF-style: chr3-52442012-T-A.
Other names: c.337A>T (NM_004656.2); short protein forms S113C.
Identifiers: ClinVar variation 1363636 (VCV001363636.9), dbSNP rs1553645933, ClinGen allele CA353112046.

ClinVar aggregate classification (germline): Uncertain significance. Review status: criteria provided, multiple submitters, no conflicts (2 of 4 stars). 2 submissions from 2 submitters: Uncertain significance (2). Last evaluated 2025-10-30.

Conditions:
Hereditary cancer-predisposing syndrome. Also called: Neoplastic Syndromes, Hereditary; Tumor predisposition; Hereditary neoplastic syndrome; Hereditary Cancer Syndrome. Identifiers: Orphanet 140162, MedGen C0027672, MeSH D009386, MONDO:0015356.
BAP1-related tumor predisposition syndrome (TPDS1). Also called: TUMOR PREDISPOSITION SYNDROME 1; Tumor susceptibility linked to germline BAP1 mutations; BAP1 tumor predisposition syndrome; COMMON Syndrome. Identifiers: Orphanet 289539, MedGen C3280492, MONDO:0013692, OMIM 614327.

Allele frequency attached by ClinVar (database versions not stated): gnomAD exomes below 0.00001.
gnomAD v4.1: 1 of 1,614,006 alleles (0.000062%); highest among the groups gnomAD compares: Non-Finnish European, 0.000085%; no homozygotes.

Submissions (2):

Ambry Genetics
Classification: Uncertain significance for Hereditary cancer-predisposing syndrome. Last evaluated: 2025-10-30. Review status: criteria provided, single submitter. Criteria: Ambry Variant Classification Scheme 2023. Collection method: clinical testing. Allele origin: germline.
Comment: The p.S113C variant (also known as c.337A>T), located in coding exon 5 of the BAP1 gene, results from an A to T substitution at nucleotide position 337. The serine at codon 113 is replaced by cysteine, an amino acid with dissimilar properties. This amino acid position is conserved. In addition, the in silico prediction for this alteration is inconclusive. Based on the available evidence, the clinical significance of this variant remains unclear.

Labcorp Genetics (formerly Invitae), Labcorp
Classification: Uncertain significance for BAP1-related tumor predisposition syndrome. Last evaluated: 2025-08-30. Review status: criteria provided, single submitter. Criteria: Invitae Variant Classification Sherloc (09022015). Collection method: clinical testing. Allele origin: germline.
Comment: This sequence change replaces serine, which is neutral and polar, with cysteine, which is neutral and slightly polar, at codon 113 of the BAP1 protein (p.Ser113Cys). This variant is not present in population databases (gnomAD no frequency). This variant has not been reported in the literature in individuals affected with BAP1-related conditions. ClinVar contains an entry for this variant (Variation ID: 1363636). Invitae Evidence Modeling of protein sequence and biophysical properties (such as structural, functional, and spatial information, amino acid conservation, physicochemical variation, residue mobility, and thermodynamic stability) indicates that this missense variant is expected to disrupt BAP1 protein function with a positive predictive value of 80%. In summary, the available evidence is currently insufficient to determine the role of this variant in disease. Therefore, it has been classified as a Variant of Uncertain Significance.